The following is an entry in ClinVar:

ClinVar aggregate classification (germline): Uncertain significance. Review status: criteria provided, multiple submitters, no conflicts (2 of 4 stars). 2 submissions from 2 submitters: Uncertain significance (2). Last evaluated 2024-01-16.

Conditions:
Inborn genetic diseases. Identifiers: MedGen C0950123, MeSH D030342.

Allele frequency attached by ClinVar (database versions not stated): gnomAD exomes 0.00001; gnomAD 0.00002; 1000 Genomes Project 0.00020; 1000 Genomes Project 30x 0.00031.
gnomAD v4.1: 12 of 1,462,916 alleles (0.00082%); highest among the groups gnomAD compares: Admixed American, 0.0097%; no homozygotes.

Submissions (2):

Ambry Genetics
Classification: Uncertain significance for Inborn genetic diseases. Last evaluated: 2024-01-16. Review status: criteria provided, single submitter. Criteria: Ambry Variant Classification Scheme 2023. Collection method: clinical testing. Allele origin: germline.

Labcorp Genetics (formerly Invitae), Labcorp
Classification: Uncertain significance. Last evaluated: 2022-06-25. Review status: criteria provided, single submitter. Criteria: Invitae Variant Classification Sherloc (09022015). Collection method: clinical testing. Allele origin: germline.
Comment: This sequence change replaces proline, which is neutral and non-polar, with leucine, which is neutral and non-polar, at codon 534 of the SPEG protein (p.Pro534Leu). This variant is present in population databases (rs542001252, gnomAD 0.02%). This variant has not been reported in the literature in individuals affected with SPEG-related conditions. Algorithms developed to predict the effect of missense changes on protein structure and function are either unavailable or do not agree on the potential impact of this missense change (SIFT: "Deleterious"; PolyPhen-2: "Probably Damaging"; Align-GVGD: "Class C0"). In summary, the available evidence is currently insufficient to determine the role of this variant in disease. Therefore, it has been classified as a Variant of Uncertain Significance.

NM_005876.5(SPEG):c.1601C>T (p.Pro534Leu)

Gene: SPEG (striated muscle enriched protein kinase; plus strand). Cytogenetic location: 2q35.
Variant type: single nucleotide variant.
Coding change: c.1601C>T on transcript NM_005876.5 (MANE Select); coding-DNA position 1601, C replaced by T.
Protein change: p.Pro534Leu; replaces proline 534 with leucine.
Molecular consequence: missense variant.
Genome position (GRCh38, 1-based): chr2:219,448,759, C>T. VCF-style: chr2-219448759-C-T. GRCh37 (hg19) VCF-style: chr2-220313481-C-T.
Other names: c.1601C>T (NM_005876.4); short protein forms P534L.
Identifiers: ClinVar variation 2147123 (VCV002147123.2), dbSNP rs542001252, ClinGen allele CA66004740.